The following is an entry in ClinVar:

ClinVar aggregate classification (germline): Uncertain significance. Review status: criteria provided, multiple submitters, no conflicts (2 of 4 stars). 2 submissions from 2 submitters: Uncertain significance (2). Last evaluated 2025-12-22.

Conditions:
NRL-related disorder. Also called: NRL-related condition.

Allele frequency attached by ClinVar (database versions not stated): gnomAD 0.00001; gnomAD exomes 0.00001; ExAC 0.00002.
gnomAD v4.1: 9 of 1,612,542 alleles (0.00056%); highest among the groups gnomAD compares: Non-Finnish European, 0.00076%; no homozygotes.

Submissions (2):

PreventionGenetics, part of Exact Sciences
Classification: Uncertain significance for NRL-related condition. Last evaluated: 2025-12-22. Review status: criteria provided, single submitter. Criteria: ACMG Guidelines, 2015. Collection method: clinical testing. Allele origin: germline.
Comment: The NRL c.374A>C variant is predicted to result in the amino acid substitution p.His125Pro. To our knowledge, this variant has not been reported in the literature. This variant is reported in 0.0027% of alleles in individuals of European (Non-Finnish) descent in gnomAD. At this time, the clinical significance of this variant is uncertain due to the absence of conclusive functional and genetic evidence.

Labcorp Genetics (formerly Invitae), Labcorp
Classification: Uncertain significance. Last evaluated: 2022-05-19. Review status: criteria provided, single submitter. Criteria: Invitae Variant Classification Sherloc (09022015). Collection method: clinical testing. Allele origin: germline.
Comment: This sequence change replaces histidine, which is basic and polar, with proline, which is neutral and non-polar, at codon 125 of the NRL protein (p.His125Pro). This variant is present in population databases (rs760600732, gnomAD 0.003%). This variant has not been reported in the literature in individuals affected with NRL-related conditions. Algorithms developed to predict the effect of missense changes on protein structure and function are either unavailable or do not agree on the potential impact of this missense change (SIFT: "Deleterious"; PolyPhen-2: "Benign"; Align-GVGD: "Class C0"). In summary, the available evidence is currently insufficient to determine the role of this variant in disease. Therefore, it has been classified as a Variant of Uncertain Significance.

NM_001354768.3(NRL):c.374A>C (p.His125Pro)

Gene: NRL (neural retina leucine zipper; minus strand). Cytogenetic location: 14q11.2.
Variant type: single nucleotide variant.
Coding change: c.374A>C on transcript NM_001354768.3 (MANE Select); coding-DNA position 374, A replaced by C.
Protein change: p.His125Pro; replaces histidine 125 with proline.
Molecular consequence: missense variant. On other transcripts: intron variant (1).
Genome position (GRCh38, 1-based): chr14:24,082,475, T>G on the plus strand (A>C on the coding strand, the complement: NRL is on the minus strand). VCF-style: chr14-24082475-T-G. GRCh37 (hg19) VCF-style: chr14-24551684-T-G.
Other names: c.374A>C, p.His125Pro (NM_001354769.1, NM_006177.5); c.66+308A>C (NM_001354770.2); c.374A>C (NM_006177.3); short protein forms H125P.
Identifiers: ClinVar variation 1476457 (VCV001476457.9), dbSNP rs760600732, ClinGen allele CA7122870.